The following is an entry in ClinVar:

NR_146419.1(ANKRD20A4-ANKRD20A20P):n.1865C>T

Gene: ANKRD20A4-ANKRD20A20P (ANKRD20A4-ANKRD20A20P readthrough; plus strand). Cytogenetic location: 9q13.
Variant type: single nucleotide variant.
Molecular consequence: non-coding transcript variant (on NR_146419.1).
Genome position: GRCh38 VCF-style: chr9-64410858-C-T. GRCh37 (hg19) VCF-style: chr9-69423276-C-T.
Identifiers: ClinVar variation 4874085 (VCV004874085.2).

ClinVar aggregate classification (germline): Likely benign (1 of 4 stars; one submission).

Submission:

CeGaT Center for Human Genetics Tuebingen
Classification: Likely benign. Last evaluated: 2026-05-01. Review status: criteria provided, single submitter. Criteria: CeGaT Center For Human Genetics Tuebingen Variant Classification Criteria Version 2. Collection method: clinical testing. Allele origin: germline. Affected: yes. Observed: 1 variant allele.
Comment: ANKRD20A4P: BP4, BP7